The following is an entry in ClinVar:

ClinVar aggregate classification (germline): Uncertain significance (1 of 4 stars; one submission).

Conditions:
Seizures, benign familial infantile, 3 (BFIS3). Also called: CONVULSIONS, BENIGN FAMILIAL INFANTILE, 3; Familial neonatal seizures. Identifiers: Orphanet 140927, Orphanet 306, MedGen C1843140, MONDO:0011904, OMIM 607745.
Developmental and epileptic encephalopathy, 11 (DEE11). Also called: Early infantile epileptic encephalopathy 11. Identifiers: Orphanet 1934, MedGen C3150987, MONDO:0013388, OMIM 613721.

Submission:

Labcorp Genetics (formerly Invitae), Labcorp
Classification: Uncertain significance for Seizures, benign familial infantile, 3; Developmental and epileptic encephalopathy, 11. Last evaluated: 2020-09-14. Review status: criteria provided, single submitter. Criteria: Invitae Variant Classification Sherloc (09022015). Collection method: clinical testing. Allele origin: germline.
Comment: Algorithms developed to predict the effect of sequence changes on RNA splicing suggest that this variant may create or strengthen a splice site, but this prediction has not been confirmed by published transcriptional studies. In summary, the available evidence is currently insufficient to determine the role of this variant in disease. Therefore, it has been classified as a Variant of Uncertain Significance. Algorithms developed to predict the effect of missense changes on protein structure and function output the following: SIFT: "Deleterious"; PolyPhen-2: "Benign"; Align-GVGD: "Class C55". The glycine amino acid residue is found in multiple mammalian species, suggesting that this missense change does not adversely affect protein function. These predictions have not been confirmed by published functional studies and their clinical significance is uncertain. This variant has not been reported in the literature in individuals with SCN2A-related conditions. This variant is not present in population databases (ExAC no frequency). This sequence change replaces serine with glycine at codon 2003 of the SCN2A protein (p.Ser2003Gly). The serine residue is highly conserved and there is a small physicochemical difference between serine and glycine.

NM_001040142.2(SCN2A):c.6007A>G (p.Ser2003Gly)

Gene: SCN2A (sodium voltage-gated channel alpha subunit 2; plus strand). Cytogenetic location: 2q24.3.
Variant type: single nucleotide variant.
Coding change: c.6007A>G on transcript NM_001040142.2 (MANE Select); coding-DNA position 6007, A replaced by G.
Protein change: p.Ser2003Gly; replaces serine 2003 with glycine.
Molecular consequence: missense variant.
Genome position (GRCh38, 1-based): chr2:165,389,813, A>G. VCF-style: chr2-165389813-A-G. GRCh37 (hg19) VCF-style: chr2-166246323-A-G.
Other names: c.6007A>G, p.Ser2003Gly (NM_001040143.2, NM_001371246.1, NM_001371247.1 and 1 more transcripts); short protein forms S2003G.
Identifiers: ClinVar variation 1014057 (VCV001014057.8), dbSNP rs1389700505, ClinGen allele CA349042032.
Genomic context (GRCh38, chr2:165,389,813, plus strand): 5'-AAAGAAAAATTTGAAAAAGACAAATCAGAAAAGGAAGACAAAGGGAAAGATATCAGGGAA[A>G]GTAAAAAGTAAAAAGAAACCAAGAATTTTCCATTTTGTGATCAATTGTTTACAGCCCGTG-3'
Protein context (NP_001035232.1, residues 1993-2005): KEDKGKDIRE[Ser2003Gly]KK